The following is an entry in ClinVar:

NM_001384474.1(LOXHD1):c.4635G>A (p.Val1545=)

Gene: LOXHD1 (lipoxygenase homology PLAT domains 1; minus strand). Cytogenetic location: 18q21.1.
Variant type: single nucleotide variant.
Coding change: c.4635G>A on transcript NM_001384474.1 (MANE Select); coding-DNA position 4635, G replaced by A.
Protein change: p.Val1545=; no amino-acid change (valine 1545 retained).
Molecular consequence: synonymous variant.
Genome position (GRCh38, 1-based): chr18:46,524,813, C>T on the plus strand (G>A on the coding strand, the complement: LOXHD1 is on the minus strand). VCF-style: chr18-46524813-C-T. GRCh37 (hg19) VCF-style: chr18-44104776-C-T.
Other names: c.1302G>A, p.Val434= (NM_001145472.3); c.1014G>A, p.Val338= (NM_001308013.2); c.4635G>A, p.Val1545= (NM_144612.7).
Identifiers: ClinVar variation 681897 (VCV000681897.16), dbSNP rs531191015, ClinGen allele CA8952318.
Genomic context (GRCh38, chr18:46,524,813, plus strand): 5'-GGAGAGCCAGCGCCCGCATAGGAACAGGAACTCGTCCTCGTTGGTGTCATTCCAGATCTC[C>T]ACCTTCTCCACGTACCAGTCTGCGCACCACTTGGAGTTGTCATGGCGGAGCTTGATCTTG-3'
Protein context (NP_001371403.1, residues 1535-1555): KWCADWYVEK[Val1545=]EIWNDTNEDE

ClinVar aggregate classification (germline): Benign/Likely benign. Review status: criteria provided, multiple submitters, no conflicts (2 of 4 stars). 5 submissions from 5 submitters: Benign (1); Likely benign (3). 1 of the submissions does not count toward it. Last evaluated 2026-06-01.

Conditions:
Autosomal recessive nonsyndromic hearing loss 77. Identifiers: Orphanet 90636, MedGen C2746083, MONDO:0013119, OMIM 613079.

Allele frequency attached by ClinVar (database versions not stated): gnomAD 0.00002 and 0.00031; TOPMed 0.00007; gnomAD exomes 0.00043 and 0.00111; ExAC 0.00192; 1000 Genomes Project 0.00280; 1000 Genomes Project 30x 0.00312.
gnomAD v4.1: 662 of 1,551,788 alleles (0.043%); highest among the groups gnomAD compares: South Asian, 0.73%; 6 homozygotes.

Submissions (5):

CeGaT Center for Human Genetics Tuebingen
Classification: Likely benign. Last evaluated: 2026-06-01. Review status: criteria provided, single submitter. Criteria: CeGaT Center For Human Genetics Tuebingen Variant Classification Criteria Version 2. Collection method: clinical testing. Allele origin: germline. Affected: yes. Observed: 1 variant allele.
Comment: LOXHD1: BP4, BP7

Labcorp Genetics (formerly Invitae), Labcorp
Classification: Benign. Last evaluated: 2026-01-28. Review status: criteria provided, single submitter. Criteria: Invitae Variant Classification Sherloc (09022015). Collection method: clinical testing. Allele origin: germline.

Blueprint Genetics
Classification: Likely benign. Last evaluated: 2024-10-01. Review status: criteria provided, single submitter. Criteria: ACMG Guidelines, 2015. Collection method: clinical testing. Allele origin: germline.

GeneDx
Classification: Likely benign. Last evaluated: 2018-04-19. Review status: criteria provided, single submitter. Criteria: GeneDx Variant Classification (06012015). Collection method: clinical testing. Allele origin: germline. Affected: yes.
Comment: This variant is considered likely benign or benign based on one or more of the following criteria: it is a conservative change, it occurs at a poorly conserved position in the protein, it is predicted to be benign by multiple in silico algorithms, and/or has population frequency not consistent with disease.

Natera, Inc.
Classification: Likely benign for Autosomal recessive deafness type 77. Last evaluated: 2020-01-07. Review status: no assertion criteria provided. Collection method: clinical testing. Allele origin: germline. Not counted in ClinVar's aggregate classification.